The following is an entry in ClinVar:

NM_001322934.2(NFKB2):c.2578+1del

Gene: NFKB2 (nuclear factor kappa B subunit 2; plus strand). Cytogenetic location: 10q24.32.
Variant type: Deletion.
Coding change: c.2578+1del on transcript NM_001322934.2 (MANE Select); the canonical splice donor site of the intron after coding-DNA position 2578, one base deleted (G; older notation c.2578+1delG).
Molecular consequence: splice donor variant.
Genome position (GRCh38, 1-based): chr10:102,402,160, G deleted; the last of 2 consecutive G bases (chr10:102,402,159-102,402,160); deleting either gives the same sequence. VCF-style (leftmost placement, unchanged base first): chr10-102402158-AG-A. GRCh37 (hg19) VCF-style: chr10-104161915-AG-A.
Other names: c.2578+1del (NM_001288724.1, NM_001077494.3, NM_001261403.3 and 1 more transcripts); c.2452+1del (NM_001322935.1).
Identifiers: ClinVar variation 1386390 (VCV001386390.8), dbSNP rs2135443063, ClinGen allele CA2573145401.

ClinVar aggregate classification (germline): Uncertain significance (1 of 4 stars; one submission).

Conditions:
Immunodeficiency, common variable, 10. Also called: DEFICIT IN ANTERIOR PITUITARY FUNCTION AND VARIABLE IMMUNODEFICIENCY; IMMUNODEFICIENCY, COMMON VARIABLE, WITH CENTRAL ADRENAL INSUFFICIENCY. Identifiers: MedGen C3809991, MONDO:0014260, OMIM 615577.

Submission:

Labcorp Genetics (formerly Invitae), Labcorp
Classification: Uncertain significance for Immunodeficiency, common variable, 10. Last evaluated: 2021-04-10. Review status: criteria provided, single submitter. Criteria: Invitae Variant Classification Sherloc (09022015). Collection method: clinical testing. Allele origin: germline.
Comment: This sequence change affects a splice site in intron 22 of the NFKB2 gene. It is expected to disrupt RNA splicing. Variants that disrupt the donor or acceptor splice site typically lead to a loss of protein function (PMID: 16199547), however the current clinical and genetic evidence is not sufficient to establish whether loss-of-function variants in NFKB2 cause disease. This variant is not present in population databases (ExAC no frequency). This variant has not been reported in the literature in individuals with NFKB2-related conditions. Algorithms developed to predict the effect of sequence changes on RNA splicing suggest that this variant may disrupt the consensus splice site, but this prediction has not been confirmed by published transcriptional studies. In summary, the available evidence is currently insufficient to determine the role of this variant in disease. Therefore, it has been classified as a Variant of Uncertain Significance.

Literature cited by the submitters: PubMed 16199547.